The following is an entry in ClinVar:

ClinVar aggregate classification (germline): Conflicting classifications of pathogenicity. Review status: criteria provided, conflicting classifications (1 of 4 stars). 2 submissions from 2 submitters: Likely pathogenic (1); Uncertain significance (1). Last evaluated 2025-06-12.

Conditions:
Fanconi anemia (FA). Also called: Fanconi's anemia. Identifiers: Orphanet 84, MedGen C0015625, MeSH D005199, MONDO:0019391.

gnomAD v4.1: 5 of 1,613,796 alleles (0.00031%); highest among the groups gnomAD compares: African/African-American, 0.0067%; no homozygotes.

Submissions (2):

Labcorp Genetics (formerly Invitae), Labcorp
Classification: Likely pathogenic for Fanconi anemia. Last evaluated: 2025-06-12. Review status: criteria provided, single submitter. Criteria: Invitae Variant Classification Sherloc (09022015). Collection method: clinical testing. Allele origin: germline.
Comment: This sequence change replaces aspartic acid, which is acidic and polar, with tyrosine, which is neutral and polar, at codon 1429 of the FANCA protein (p.Asp1429Tyr). This variant is present in population databases (no rsID available, gnomAD 0.01%). This variant has not been reported in the literature in individuals affected with FANCA-related conditions. ClinVar contains an entry for this variant (Variation ID: 2043465). Invitae Evidence Modeling of protein sequence and biophysical properties (such as structural, functional, and spatial information, amino acid conservation, physicochemical variation, residue mobility, and thermodynamic stability) indicates that this missense variant is expected to disrupt FANCA protein function with a positive predictive value of 95%. This variant disrupts the p.Asp1429 amino acid residue in FANCA. Other variant(s) that disrupt this residue have been determined to be pathogenic (internal data). This suggests that this residue is clinically significant, and that variants that disrupt this residue are likely to be disease-causing. In summary, the currently available evidence indicates that the variant is pathogenic, but additional data are needed to prove that conclusively. Therefore, this variant has been classified as Likely Pathogenic.

Blueprint Genetics
Classification: Uncertain significance. Last evaluated: 2024-09-10. Review status: criteria provided, single submitter. Criteria: ACMG Guidelines, 2015. Collection method: clinical testing. Allele origin: germline.

NM_000135.4(FANCA):c.4285G>T (p.Asp1429Tyr)

Genes: FANCA (FA complementation group A; minus strand), ZNF276 (zinc finger protein 276; plus strand). Cytogenetic location: 16q24.3.
Variant type: single nucleotide variant.
Coding change: c.4285G>T on transcript NM_000135.4 (MANE Select); coding-DNA position 4285, G replaced by T.
Protein change: p.Asp1429Tyr; replaces aspartic acid 1429 with tyrosine.
Molecular consequence: missense variant. On other transcripts: 3 prime UTR variant (3), non-coding transcript variant (4).
Genome position (GRCh38, 1-based): chr16:89,738,684, C>A on the plus strand (G>T on the coding strand, the complement: FANCA is on the minus strand). VCF-style: chr16-89738684-C-A. GRCh37 (hg19) VCF-style: chr16-89805092-C-A.
Other names: c.*14G>T (NM_001286167.3); c.*438C>A (NM_001113525.2, NM_152287.4); short protein forms D1429Y.
Identifiers: ClinVar variation 2043465 (VCV002043465.5), dbSNP rs748856769, ClinGen allele CA397483114.